The following is an entry in ClinVar:

ClinVar aggregate classification (germline): Uncertain significance. Review status: criteria provided, multiple submitters, no conflicts (2 of 4 stars). 5 submissions from 5 submitters: Uncertain significance (4). 1 of the submissions does not count toward it. Last evaluated 2024-10-25.

Conditions:
ATRX-related disorder. Also called: ATRX-related condition.
Acquired hemoglobin H disease (ATMDS). Also called: Alpha-thalassemia myelodysplasia syndrome; Alpha-thalassemia-myelodysplastic syndrome; Alpha-thalassemia myelodysplasia syndrome, somatic. Identifiers: Orphanet 231401, MedGen C0585216, MONDO:0010328, OMIM 300448.
Alpha thalassemia-X-linked intellectual disability syndrome (ATRX). Also called: ALPHA-THALASSEMIA/MENTAL RETARDATION SYNDROME, X-LINKED; X-linked alpha-thalassemia-mental retardation syndrome; ATR-X syndrome; Alpha thalassemia mental retardation syndrome, nondeletion type, X-linked; XLMR hypotonic face syndrome; ATR, NONDELETION TYPE. Identifiers: Orphanet 847, MedGen C1845055, MONDO:0010519, OMIM 301040.
Intellectual disability-hypotonic facies syndrome, X-linked, 1 (MRXHF1). Also called: Smith Fineman Myers syndrome 1; XLMR-HYPOTONIC FACIES SYNDROME; CHUDLEY-LOWRY SYNDROME; Chudley syndrome 1; Chudley-Lowry-Hoar syndrome; Carpenter-Waziri syndrome. Identifiers: Orphanet 73220, Orphanet 93970, Orphanet 93971, Orphanet 93972, Orphanet 93973, Orphanet 93974, Orphanet 93975, MedGen C4759781, MONDO:0010663, OMIM 309580.

Allele frequency attached by ClinVar (database versions not stated): gnomAD 0.00002 and 0.00003; gnomAD exomes below 0.00001; TOPMed 0.00002.
gnomAD v4.1: 8 of 1,209,912 alleles (0.00066%); highest among the groups gnomAD compares: Middle Eastern, 0.023%; no homozygotes.

Submissions (5):

Labcorp Genetics (formerly Invitae), Labcorp
Classification: Uncertain significance for Alpha thalassemia-X-linked intellectual disability syndrome. Last evaluated: 2024-10-25. Review status: criteria provided, single submitter. Criteria: Invitae Variant Classification Sherloc (09022015). Collection method: clinical testing. Allele origin: germline.
Comment: This sequence change replaces lysine, which is basic and polar, with arginine, which is basic and polar, at codon 1357 of the ATRX protein (p.Lys1357Arg). This variant is not present in population databases (gnomAD no frequency). This variant has not been reported in the literature in individuals affected with ATRX-related conditions. ClinVar contains an entry for this variant (Variation ID: 424128). Invitae Evidence Modeling of protein sequence and biophysical properties (such as structural, functional, and spatial information, amino acid conservation, physicochemical variation, residue mobility, and thermodynamic stability) indicates that this missense variant is not expected to disrupt ATRX protein function with a negative predictive value of 95%. In summary, the available evidence is currently insufficient to determine the role of this variant in disease. Therefore, it has been classified as a Variant of Uncertain Significance.

GeneDx
Classification: Uncertain significance. Last evaluated: 2019-04-02. Review status: criteria provided, single submitter. Criteria: GeneDx Variant Classification Process June 2021. Collection method: clinical testing. Allele origin: germline. Affected: yes.
Comment: In silico analysis, which includes protein predictors and evolutionary conservation, supports that this variant does not alter protein structure/function; Has not been previously published as pathogenic or benign to our knowledge

CENTOGENE GmbH and LLC - Guiding Precision Medicine
Classification: Uncertain significance for Alpha thalassemia-X-linked intellectual disability syndrome. Last evaluated: 2018-04-10. Review status: criteria provided, single submitter. Criteria: ACMG Guidelines, 2015. Collection method: clinical testing. Allele origin: germline. Affected: yes.

Geisinger Autism and Developmental Medicine Institute, Geisinger Health System
Classification: Uncertain significance for Intellectual disability-hypotonic facies syndrome, X-linked, 1; Alpha thalassemia-X-linked intellectual disability syndrome; Acquired hemoglobin H disease. Last evaluated: 2017-03-13. Review status: criteria provided, single submitter. Criteria: ACMG Guidelines, 2015. Collection method: provider interpretation, clinical testing. Allele origin: maternal. Observed: 1 variant allele.
Comment: Computational models are inconsistent.

Natera, Inc.
Classification: Uncertain significance for X-linked alpha-thalassemia-mental retardation syndrome. Last evaluated: 2020-03-24. Review status: no assertion criteria provided. Collection method: clinical testing. Allele origin: germline. Not counted in ClinVar's aggregate classification.

NM_000489.6(ATRX):c.4070A>G (p.Lys1357Arg)

Gene: ATRX (ATRX chromatin remodeler; minus strand). Cytogenetic location: Xq21.1.
Variant type: single nucleotide variant.
Coding change: c.4070A>G on transcript NM_000489.6 (MANE Select); coding-DNA position 4070, A replaced by G.
Protein change: p.Lys1357Arg; replaces lysine 1357 with arginine.
Molecular consequence: missense variant.
Genome position (GRCh38, 1-based): chrX:77,663,432, T>C on the plus strand (A>G on the coding strand, the complement: ATRX is on the minus strand). VCF-style: chrX-77663432-T-C. GRCh37 (hg19) VCF-style: chrX-76918921-T-C.
Other names: c.3956A>G, p.Lys1319Arg (NM_138270.5); short protein forms K1357R, K1319R.
Identifiers: ClinVar variation 424128 (VCV000424128.19), dbSNP rs1064796812, ClinGen allele CA16621505.